The following is an entry in ClinVar:

ClinVar aggregate classification (germline): Uncertain significance. Review status: criteria provided, multiple submitters, no conflicts (2 of 4 stars). 2 submissions from 2 submitters: Uncertain significance (2). Last evaluated 2024-03-04.

Conditions:
Seizures, benign familial infantile, 3 (BFIS3). Also called: CONVULSIONS, BENIGN FAMILIAL INFANTILE, 3; Familial neonatal seizures. Identifiers: Orphanet 140927, Orphanet 306, MedGen C1843140, MONDO:0011904, OMIM 607745.
Developmental and epileptic encephalopathy, 11 (DEE11). Also called: Early infantile epileptic encephalopathy 11. Identifiers: Orphanet 1934, MedGen C3150987, MONDO:0013388, OMIM 613721.

Allele frequency attached by ClinVar (database versions not stated): TOPMed 0.00001; ExAC 0.00002; ESP Exome Variant Server 0.00008.
gnomAD v4.1: 5 of 1,602,786 alleles (0.00031%); highest among the groups gnomAD compares: Non-Finnish European, 0.00043%; no homozygotes.

Submissions (2):

Labcorp Genetics (formerly Invitae), Labcorp
Classification: Uncertain significance for Seizures, benign familial infantile, 3; Developmental and epileptic encephalopathy, 11. Last evaluated: 2024-03-04. Review status: criteria provided, single submitter. Criteria: Invitae Variant Classification Sherloc (09022015). Collection method: clinical testing. Allele origin: germline.
Comment: This sequence change replaces leucine, which is neutral and non-polar, with valine, which is neutral and non-polar, at codon 121 of the SCN2A protein (p.Leu121Val). This variant is present in population databases (rs374951365, gnomAD 0.002%). This variant has not been reported in the literature in individuals affected with SCN2A-related conditions. ClinVar contains an entry for this variant (Variation ID: 850768). Advanced modeling of protein sequence and biophysical properties (such as structural, functional, and spatial information, amino acid conservation, physicochemical variation, residue mobility, and thermodynamic stability) performed at Invitae indicates that this missense variant is not expected to disrupt SCN2A protein function with a negative predictive value of 95%. In summary, the available evidence is currently insufficient to determine the role of this variant in disease. Therefore, it has been classified as a Variant of Uncertain Significance.

GeneDx
Classification: Uncertain significance. Last evaluated: 2023-12-18. Review status: criteria provided, single submitter. Criteria: GeneDx Variant Classification Process June 2021. Collection method: clinical testing. Allele origin: germline. Affected: yes.
Comment: Not observed at significant frequency in large population cohorts (gnomAD); Missense variants in this gene are a common cause of disease and they are underrepresented in the general population; In silico analysis supports that this missense variant does not alter protein structure/function; Has not been previously published as pathogenic or benign to our knowledge; This substitution is predicted to be within the N-terminal cytoplasmic domain

NM_001040142.2(SCN2A):c.361T>G (p.Leu121Val)

Gene: SCN2A (sodium voltage-gated channel alpha subunit 2; plus strand). Cytogenetic location: 2q24.3.
Variant type: single nucleotide variant.
Coding change: c.361T>G on transcript NM_001040142.2 (MANE Select); coding-DNA position 361, T replaced by G.
Protein change: p.Leu121Val; replaces leucine 121 with valine.
Molecular consequence: missense variant.
Genome position (GRCh38, 1-based): chr2:165,297,110, T>G. VCF-style: chr2-165297110-T-G. GRCh37 (hg19) VCF-style: chr2-166153620-T-G.
Other names: c.361T>G, p.Leu121Val (NM_001040143.2, NM_001371246.1, NM_001371247.1 and 1 more transcripts); short protein forms L121V.
Identifiers: ClinVar variation 850768 (VCV000850768.7), dbSNP rs374951365, ClinGen allele CA1939587.
Genomic context (GRCh38, chr2:165,297,110, plus strand): 5'-TCTCGATTCAGTGCCACCCCTGCCCTTTACATTTTAACTCCCTTCAACCCTATTAGAAAA[T>G]TAGCTATTAAGATTTTGGTACATTCATATCCTTTTTCAAATCGTCACTTAATATGATTTT-3'
Protein context (NP_001035232.1, residues 111-131): ILTPFNPIRK[Leu121Val]AIKILVHSLF